The following is an entry in ClinVar:

NM_000051.4(ATM):c.4370T>G (p.Leu1457Ter)

Gene: ATM (ATM serine/threonine kinase; plus strand). Cytogenetic location: 11q22.3.
Variant type: single nucleotide variant.
Coding change: c.4370T>G on transcript NM_000051.4 (MANE Select); coding-DNA position 4370, T replaced by G.
Protein change: p.Leu1457Ter; replaces leucine 1457 with a stop codon.
Molecular consequence: nonsense.
Genome position (GRCh38, 1-based): chr11:108,289,735, T>G. VCF-style: chr11-108289735-T-G. GRCh37 (hg19) VCF-style: chr11-108160462-T-G.
Other names: c.4370T>G, p.Leu1457Ter (NM_001351834.2); short protein forms L1457*.
Identifiers: ClinVar variation 142188 (VCV000142188.21), dbSNP rs373226793, ClinGen allele CA167716.

ClinVar aggregate classification (germline): Pathogenic. Review status: criteria provided, multiple submitters, no conflicts (2 of 4 stars). 9 submissions from 9 submitters: Pathogenic (8). 1 of the submissions does not count toward it. Last evaluated 2026-02-11.

Conditions:
Hereditary cancer-predisposing syndrome. Also called: Neoplastic Syndromes, Hereditary; Hereditary Cancer Syndrome; Hereditary neoplastic syndrome; Tumor predisposition. Identifiers: Orphanet 140162, MedGen C0027672, MeSH D009386, MONDO:0015356.
Familial cancer of breast. Also called: Hereditary breast cancer; hereditary breast carcinoma; BREAST CANCER, FAMILIAL. Identifiers: Orphanet 227535, MedGen C0346153, MONDO:0016419, OMIM 114480. Disease mechanism: loss of function.
Ataxia-telangiectasia syndrome (AT). Also called: Cerebello-oculocutaneous telangiectasia; Immunodeficiency with ataxia telangiectasia; Ataxia-telangiectasia, complementation group D; AT, COMPLEMENTATION GROUP C; ATAXIA-TELANGIECTASIA, FRESNO VARIANT; ATAXIA-TELANGIECTASIA, COMPLEMENTATION GROUP A. Identifiers: Orphanet 100, MedGen C0004135, MONDO:0008840, OMIM 208900.

Submissions (9):

St. Jude Molecular Pathology, St. Jude Children's Research Hospital
Classification: Pathogenic for Ataxia-telangiectasia syndrome. Last evaluated: 2026-02-11. Review status: criteria provided, single submitter. Criteria: St. Jude Assertion Criteria 2020. Collection method: clinical testing. Allele origin: germline.
Comment: The ATM c.4370T>G p.(Leu1457Ter) change is a nonsense variant that is predicted to cause premature protein truncation or absence of protein due to nonsense-mediated decay. To our knowledge, this variant has not been reported in individuals with breast cancer or ataxia telangiectasia. This variant is absent in gnomAD v2.1.1. In summary, this variant meets criteria to be classified as pathogenic.

Labcorp Genetics (formerly Invitae), Labcorp
Classification: Pathogenic for Ataxia-telangiectasia syndrome. Last evaluated: 2024-11-19. Review status: criteria provided, single submitter. Criteria: Invitae Variant Classification Sherloc (09022015). Collection method: clinical testing. Allele origin: germline.
Comment: This sequence change creates a premature translational stop signal (p.Leu1457*) in the ATM gene. It is expected to result in an absent or disrupted protein product. Loss-of-function variants in ATM are known to be pathogenic (PMID: 23807571, 25614872). This variant is not present in population databases (gnomAD no frequency). This premature translational stop signal has been observed in individual(s) with prostate cancer (PMID: 28657667). ClinVar contains an entry for this variant (Variation ID: 142188). For these reasons, this variant has been classified as Pathogenic.

Institute of Medical Genetics and Applied Genomics, University Hospital Tübingen
Classification: Pathogenic for Familial cancer of breast. Last evaluated: 2024-11-18. Review status: criteria provided, single submitter. Criteria: ACMG Guidelines, 2015. Collection method: clinical testing. Allele origin: germline. Inheritance: Autosomal dominant inheritance. Affected: yes.

Natera, Inc.
Classification: Pathogenic for Ataxia-telangiectasia. Last evaluated: 2024-08-08. Review status: criteria provided, single submitter. Criteria: Natera Variant Classification Schema (03/2026). Collection method: clinical testing. Allele origin: germline.
Comment: The c.4370T>G variant in ATM is a nonsense variant predicted to introduce a stop codon at amino acid 1457. This variant is expected to result in nonsense mediated decay, truncation, or a dysfunctional protein product. This variant is rare in the general population with a frequency below the threshold expected for the associated phenotype(s). This variant has been observed in one or more individuals affected with the associated recessive disease, as either homozygous or compound heterozygous with a second variant (PMID: 34477998). Given the available evidence, this variant is classified as Pathogenic.

Myriad Genetics, Inc.
Classification: Pathogenic for Familial cancer of breast. Last evaluated: 2024-01-24. Review status: criteria provided, single submitter. Criteria: Myriad Autosomal Dominant, Autosomal Recessive and X-Linked Classification Criteria (2023). Collection method: clinical testing. Allele origin: unknown.
Comment: This variant is considered pathogenic. This variant creates a termination codon and is predicted to result in premature protein truncation.

Baylor Genetics
Classification: Pathogenic for Familial cancer of breast. Last evaluated: 2023-07-07. Review status: criteria provided, single submitter. Criteria: ACMG Guidelines, 2015. Collection method: clinical testing. Allele origin: unknown.

GeneDx
Classification: Pathogenic. Last evaluated: 2023-03-20. Review status: criteria provided, single submitter. Criteria: GeneDx Variant Classification Process June 2021. Collection method: clinical testing. Allele origin: germline. Affected: yes.
Comment: Nonsense variant predicted to result in protein truncation or nonsense mediated decay in a gene for which loss-of-function is a known mechanism of disease; Truncating variants in this gene are considered pathogenic by a well-established clinical consortium and/or database; Not observed at significant frequency in large population cohorts (gnomAD); This variant is associated with the following publications: (PMID: 24763289, 23807571, 25614872, 28657667)

Ambry Genetics
Classification: Pathogenic for Hereditary cancer-predisposing syndrome. Last evaluated: 2022-10-18. Review status: criteria provided, single submitter. Criteria: Ambry Variant Classification Scheme 2023. Collection method: clinical testing. Allele origin: germline.
Comment: The p.L1457* pathogenic mutation (also known as c.4370T>G), located in coding exon 28 of the ATM gene, results from a T to G substitution at nucleotide position 4370. This changes the amino acid from a leucine to a stop codon within coding exon 28. This mutation was identified in 1/102 high risk patients with prostate cancer (Pili&eacute; PG et al. Cancer, 2017 Oct;123:3925-3932). This variant is considered to be rare based on population cohorts in the Genome Aggregation Database (gnomAD). In addition to the clinical data presented in the literature, this alteration is expected to result in loss of function by premature protein truncation or nonsense-mediated mRNA decay. As such, this alteration is interpreted as a disease-causing mutation.

Counsyl
Classification: Likely pathogenic for Ataxia-telangiectasia syndrome. Last evaluated: 2016-10-05. Review status: no assertion criteria provided. Collection method: clinical testing. Allele origin: unknown. Not counted in ClinVar's aggregate classification.

Literature cited by the submitters: PubMed 23807571 (cited by Labcorp Genetics (formerly Invitae), Labcorp); PubMed 25614872 (cited by Labcorp Genetics (formerly Invitae), Labcorp); PubMed 28657667 (cited by Labcorp Genetics (formerly Invitae), Labcorp and Ambry Genetics); PubMed 34477998 (cited by Natera, Inc.).